The following is an entry in ClinVar:

NM_001363540.2(DOCK4):c.5738G>A (p.Ser1913Asn)

Gene: DOCK4 (dedicator of cytokinesis 4; minus strand). Cytogenetic location: 7q31.1.
Variant type: single nucleotide variant.
Coding change: c.5738G>A on transcript NM_001363540.2 (MANE Select); coding-DNA position 5738, G replaced by A.
Protein change: p.Ser1913Asn; replaces serine 1913 with asparagine.
Molecular consequence: missense variant.
Genome position (GRCh38, 1-based): chr7:111,728,464, C>T on the plus strand (G>A on the coding strand, the complement: DOCK4 is on the minus strand). VCF-style: chr7-111728464-C-T. GRCh37 (hg19) VCF-style: chr7-111368520-C-T.
Other names: c.5711G>A, p.Ser1904Asn (NM_014705.4); short protein forms S1904N, S1913N.
Identifiers: ClinVar variation 3032406 (VCV003032406.2), dbSNP rs549577916, ClinGen allele CA4441138.
Genomic context (GRCh38, chr7:111,728,464, plus strand): 5'-ACGGGGATGGAGAGGCTGTGAGGTAGCGGGACGGGGCGCCGCAGAGTCCGCTCGTAGACG[C>T]TGTACGGGGGCGGAGTCTTGCTCTCCTTGCGCACTGGCTCCTCCCCGCCGTAGCTCGGCA-3'
Protein context (NP_001350469.1, residues 1903-1923): RKESKTPPPY[Ser1913Asn]VYERTLRRPV

ClinVar aggregate classification (germline): Likely benign (0 of 4 stars; one submission).

Conditions:
DOCK4-related disorder. Also called: DOCK4-related condition.

gnomAD v4.1: 72 of 1,610,518 alleles (0.0045%); highest among the groups gnomAD compares: Admixed American, 0.11%; no homozygotes.

Submission:

PreventionGenetics, part of Exact Sciences
Classification: Likely benign for DOCK4-related condition. Last evaluated: 2022-04-21. Review status: no assertion criteria provided. Collection method: clinical testing. Allele origin: germline.
Comment: This variant is classified as likely benign based on ACMG/AMP sequence variant interpretation guidelines (Richards et al. 2015 PMID: 25741868, with internal and published modifications).